The following is an entry in ClinVar:

NM_002221.4(ITPKB):c.-8C>T

Genes: ITPKB (inositol-trisphosphate 3-kinase B; minus strand), LOC129932672 (ATAC-STARR-seq lymphoblastoid silent region 1890; plus strand). Cytogenetic location: 1q42.12.
Variant type: single nucleotide variant.
Coding change: c.-8C>T on transcript NM_002221.4 (MANE Select); 8 bases upstream of the start codon, C replaced by T.
Molecular consequence: 5 prime UTR variant.
Genome position (GRCh38, 1-based): chr1:226,737,466, G>A on the plus strand (C>T on the coding strand, the complement: ITPKB is on the minus strand). VCF-style: chr1-226737466-G-A. GRCh37 (hg19) VCF-style: chr1-226925167-G-A.
Other names: c.-8C>T (NM_001388404.1).
Identifiers: ClinVar variation 2688337 (VCV002688337.3), dbSNP rs138545670, ClinGen allele CA1424305.

ClinVar aggregate classification (germline): Benign. Review status: criteria provided, multiple submitters, no conflicts (2 of 4 stars). 2 submissions from 2 submitters: Benign (2). Last evaluated 2026-01-23.

Allele frequency attached by ClinVar (database versions not stated): ESP Exome Variant Server 0.00107; gnomAD exomes 0.00990; gnomAD 0.01247; TOPMed 0.01573; ExAC 0.02730; 1000 Genomes Project 30x 0.04778; 1000 Genomes Project 0.04812.
gnomAD v4.1: 15,888 of 1,557,628 alleles (1%); highest among the groups gnomAD compares: Admixed American, 11%; 727 homozygotes.

Submissions (2):

Women's Health and Genetics/Laboratory Corporation of America, LabCorp
Classification: Benign. Last evaluated: 2026-01-23. Review status: criteria provided, single submitter. Criteria: LabCorp Variant Classification Summary - May 2015. Collection method: clinical testing. Allele origin: germline.

Unidad de Genómica Garrahan, Hospital de Pediatría Garrahan
Classification: Benign. Last evaluated: 2024-01-24. Review status: criteria provided, single submitter. Criteria: ACMG Guidelines, 2015. Collection method: clinical testing. Allele origin: germline. Affected: no. Observed: 20 variant alleles.
Comment: This variant is classified as Benign based on local population frequency. This variant was detected in 21% of patients studied by a panel of primary immunodeficiencies. Number of patients: 20. Only high quality variants are reported.